The following is an entry in ClinVar:

ClinVar aggregate classification (germline): Pathogenic/Likely pathogenic. Review status: criteria provided, multiple submitters, no conflicts (2 of 4 stars). 2 submissions from 2 submitters: Pathogenic (1); Likely pathogenic (1). Last evaluated 2024-05-30.

Conditions:
Nephronophthisis. Also called: Juvenile Nephronophthisis. Identifiers: Orphanet 655, MedGen C0687120, MONDO:0019005, HP:0000090.
Infantile nephronophthisis (NPHP2). Also called: Nephronophthisis 2, infantile; Nephronophthisis 2. Identifiers: Orphanet 655, Orphanet 93591, MedGen C1865872, MONDO:0011190, OMIM 602088.

Allele frequency attached by ClinVar (database versions not stated): TOPMed below 0.00001; ESP Exome Variant Server 0.00008.
gnomAD v4.1: 25 of 1,614,142 alleles (0.0015%); highest among the groups gnomAD compares: Non-Finnish European, 0.0021%; no homozygotes.

Submissions (2):

Fulgent Genetics
Classification: Likely pathogenic for Infantile nephronophthisis. Last evaluated: 2024-05-30. Review status: criteria provided, single submitter. Criteria: ACMG Guidelines, 2015. Collection method: clinical testing. Allele origin: germline.

Labcorp Genetics (formerly Invitae), Labcorp
Classification: Pathogenic for Nephronophthisis. Last evaluated: 2023-08-29. Review status: criteria provided, single submitter. Criteria: Invitae Variant Classification Sherloc (09022015). Collection method: clinical testing. Allele origin: germline.
Comment: For these reasons, this variant has been classified as Pathogenic. Algorithms developed to predict the effect of sequence changes on RNA splicing suggest that this variant may disrupt the consensus splice site. This variant has not been reported in the literature in individuals affected with INVS-related conditions. This variant is not present in population databases (gnomAD no frequency). This sequence change creates a premature translational stop signal (p.Gln872*) in the INVS gene. It is expected to result in an absent or disrupted protein product. Loss-of-function variants in INVS are known to be pathogenic (PMID: 12872123).

Literature cited by the submitters: PubMed 12872123 (cited by Labcorp Genetics (formerly Invitae), Labcorp).

NM_014425.5(INVS):c.2614C>T (p.Gln872Ter)

Gene: INVS (inversin; plus strand). Cytogenetic location: 9q31.1.
Variant type: single nucleotide variant.
Coding change: c.2614C>T on transcript NM_014425.5 (MANE Select); coding-DNA position 2614, C replaced by T.
Protein change: p.Gln872Ter; replaces glutamine 872 with a stop codon.
Molecular consequence: nonsense. On other transcripts: non-coding transcript variant (1).
Genome position (GRCh38, 1-based): chr9:100,292,871, C>T. VCF-style: chr9-100292871-C-T. GRCh37 (hg19) VCF-style: chr9-103055153-C-T.
Other names: c.2326C>T, p.Gln776Ter (NM_001318381.2); c.1636C>T, p.Gln546Ter (NM_001318382.2); short protein forms Q776*, Q872*, Q546*.
Identifiers: ClinVar variation 2751391 (VCV002751391.4), dbSNP rs374520570, ClinGen allele CA196895982.